The following is an entry in ClinVar:

NM_000057.4(BLM):c.3890del (p.Pro1297fs)

Gene: BLM (BLM RecQ like helicase; plus strand). Cytogenetic location: 15q26.1.
Variant type: Deletion.
Coding change: c.3890del on transcript NM_000057.4 (MANE Select); coding-DNA position 3890, one base deleted (C; older notation c.3890delC).
Protein change: p.Pro1297fs; shifts the reading frame from proline 1297.
Molecular consequence: frameshift variant.
Genome position (GRCh38, 1-based): chr15:90,811,220, C deleted; the last of 4 consecutive C bases (chr15:90,811,217-90,811,220); deleting any one gives the same sequence. VCF-style (leftmost placement, unchanged base first): chr15-90811216-TC-T. GRCh37 (hg19) VCF-style: chr15-91354446-TC-T.
Other names: c.3890del, p.Pro1297fs (NM_001287246.2); c.3497del, p.Pro1166fs (NM_001287247.2); c.2765del, p.Pro922fs (NM_001287248.2); c.3890del (LRG_20t1); short protein forms P1297fs, P1166fs, P922fs.
Identifiers: ClinVar variation 554568 (VCV000554568.13), dbSNP rs1555425062, ClinGen allele CA658824108.

ClinVar aggregate classification (germline): Pathogenic. Review status: criteria provided, multiple submitters, no conflicts (2 of 4 stars). 4 submissions from 4 submitters: Pathogenic (3). 1 of the submissions does not count toward it. Last evaluated 2026-04-27.

Conditions:
Bloom syndrome (BLM). Also called: Bloom-Torre-Machacek syndrome. Identifiers: Orphanet 125, MedGen C0005859, MONDO:0008876, OMIM 210900.
Hereditary cancer-predisposing syndrome. Also called: Tumor predisposition; Hereditary neoplastic syndrome; Neoplastic Syndromes, Hereditary; Hereditary Cancer Syndrome. Identifiers: Orphanet 140162, MedGen C0027672, MeSH D009386, MONDO:0015356.

Submissions (4):

Myriad Genetics, Inc.
Classification: Pathogenic for Bloom syndrome. Last evaluated: 2026-04-27. Review status: criteria provided, single submitter. Criteria: Myriad Autosomal Dominant, Autosomal Recessive and X-Linked Classification Criteria (2023). Collection method: clinical testing. Allele origin: unknown.
Comment: NM_000057.3(BLM):c.3890delC(P1297Qfs*3) is a frameshift variant classified as pathogenic in the context of Bloom syndrome. P1297Qfs*3 has not been observed in cases with relevant disease. Relevant functional assessments of this variant are not available in the literature. P1297Qfs*3 has not been observed in referenced population frequency databases. In summary, NM_000057.3(BLM):c.3890delC(P1297Qfs*3) is a frameshift variant in a gene where loss of function is a known mechanism of disease and is predicted to disrupt protein function. Please note: this variant was assessed in the context of healthy population screening.

Ambry Genetics
Classification: Pathogenic for Hereditary cancer-predisposing syndrome. Last evaluated: 2020-11-02. Review status: criteria provided, single submitter. Criteria: Ambry Variant Classification Scheme 2023. Collection method: clinical testing. Allele origin: germline.
Comment: The c.3890delC variant, located in coding exon 20 of the BLM gene, results from a deletion of one nucleotide at nucleotide position 3890, causing a translational frameshift with a predicted alternate stop codon (p.P1297Qfs*3). This alteration is expected to result in loss of function by premature protein truncation or nonsense-mediated mRNA decay. As such, this alteration is interpreted as a disease-causing mutation.

Labcorp Genetics (formerly Invitae), Labcorp
Classification: Pathogenic for Bloom syndrome. Last evaluated: 2019-08-18. Review status: criteria provided, single submitter. Criteria: Invitae Variant Classification Sherloc (09022015). Collection method: clinical testing. Allele origin: germline.
Comment: For these reasons, this variant has been classified as Pathogenic. Loss-of-function variants in BLM are known to be pathogenic (PMID: 17407155). This variant has not been reported in the literature in individuals with BLM-related conditions. ClinVar contains an entry for this variant (Variation ID: 554568). This variant is not present in population databases (ExAC no frequency). This sequence change creates a premature translational stop signal (p.Pro1297Glnfs*3) in the BLM gene. It is expected to result in an absent or disrupted protein product.

Counsyl
Classification: Likely pathogenic for Bloom syndrome. Last evaluated: 2017-10-25. Review status: no assertion criteria provided. Collection method: clinical testing. Allele origin: unknown. Not counted in ClinVar's aggregate classification.

Literature cited by the submitters: PubMed 17407155 (cited by Labcorp Genetics (formerly Invitae), Labcorp).